The following is an entry in ClinVar:

NM_173495.3(PTCHD1):c.2152G>A (p.Val718Met)

Gene: PTCHD1 (patched domain containing 1; plus strand). Cytogenetic location: Xp22.11.
Variant type: single nucleotide variant.
Coding change: c.2152G>A on transcript NM_173495.3 (MANE Select); coding-DNA position 2152, G replaced by A.
Protein change: p.Val718Met; replaces valine 718 with methionine.
Molecular consequence: missense variant.
Genome position (GRCh38, 1-based): chrX:23,393,670, G>A. VCF-style: chrX-23393670-G-A. GRCh37 (hg19) VCF-style: chrX-23411787-G-A.
Other names: short protein forms V718M.
Identifiers: ClinVar variation 4528118 (VCV004528118.1).

ClinVar aggregate classification (germline): Uncertain significance (1 of 4 stars; one submission).

gnomAD v4.1: 4 of 1,210,222 alleles (0.00033%); highest among the groups gnomAD compares: African/African-American, 0.0035%; no homozygotes.

Submission:

GeneDx
Classification: Uncertain significance. Last evaluated: 2025-05-07. Review status: criteria provided, single submitter. Criteria: GeneDx Variant Classification Process June 2021. Collection method: clinical testing. Allele origin: germline. Affected: yes.
Comment: Not observed at significant frequency in large population cohorts (gnomAD); In silico analysis suggests that this missense variant does not alter protein structure/function; Has not been previously published as pathogenic or benign to our knowledge